The following is an entry in ClinVar:

ClinVar aggregate classification (germline): Likely pathogenic (1 of 4 stars; one submission).

Submission:

GeneDx
Classification: Likely pathogenic. Last evaluated: 2025-04-22. Review status: criteria provided, single submitter. Criteria: GeneDx Variant Classification Process June 2021. Collection method: clinical testing. Allele origin: germline. Affected: yes.
Comment: Identified in an individual reported to have pure HSP (PMID: 20932283); Not observed at significant frequency in large population cohorts (gnomAD); In silico analysis supports that this missense variant has a deleterious effect on protein structure/function; This variant is associated with the following publications: (PMID: 21139634, 26094131, 30476002, 20932283)

NM_014946.4(SPAST):c.1474C>T (p.Leu492Phe)

Gene: SPAST (spastin; plus strand). Cytogenetic location: 2p22.3.
Variant type: single nucleotide variant.
Coding change: c.1474C>T on transcript NM_014946.4 (MANE Select); coding-DNA position 1474, C replaced by T.
Protein change: p.Leu492Phe; replaces leucine 492 with phenylalanine.
Molecular consequence: missense variant.
Genome position (GRCh38, 1-based): chr2:32,137,169, C>T. VCF-style: chr2-32137169-C-T. GRCh37 (hg19) VCF-style: chr2-32362238-C-T.
Other names: c.1471C>T, p.Leu491Phe (NM_001363823.2); c.1375C>T, p.Leu459Phe (NM_001363875.2); c.1378C>T, p.Leu460Phe (NM_001377959.1, NM_199436.2); short protein forms L459F, L460F, L491F, L492F.
Identifiers: ClinVar variation 4528246 (VCV004528246.1).